The following is an entry in ClinVar:

ClinVar aggregate classification (germline): Conflicting classifications of pathogenicity. Review status: criteria provided, conflicting classifications (1 of 4 stars). 6 submissions from 6 submitters: Uncertain significance (1); Likely benign (3). 2 of the submissions do not count toward it. Last evaluated 2026-01-28.

Conditions:
TULP1-related disorder. Also called: TULP1-related condition; TULP1-related disorders.
Retinal dystrophy. Also called: Inherited retinal dystrophy. Identifiers: Orphanet 71862, MedGen C0854723, MeSH D058499, MONDO:0019118, HP:0000556.

Allele frequency attached by ClinVar (database versions not stated): gnomAD exomes 0.00041; 1000 Genomes Project 30x 0.00062; 1000 Genomes Project 0.00080; ExAC 0.00105; gnomAD 0.00133 and 0.00149; TOPMed 0.00170; ESP Exome Variant Server 0.00200.
gnomAD v4.1: 437 of 1,586,182 alleles (0.028%); highest among the groups gnomAD compares: African/African-American, 0.46%; 5 homozygotes.

Submissions (6):

Labcorp Genetics (formerly Invitae), Labcorp
Classification: Likely benign. Last evaluated: 2026-01-28. Review status: criteria provided, single submitter. Criteria: Invitae Variant Classification Sherloc (09022015). Collection method: clinical testing. Allele origin: germline.

GeneDx
Classification: Uncertain significance. Last evaluated: 2026-01-14. Review status: criteria provided, single submitter. Criteria: GeneDx Variant Classification Process June 2021. Collection method: clinical testing. Allele origin: germline. Affected: yes.
Comment: In silico analysis supports that this missense variant has a deleterious effect on protein structure/function; Has not been previously published as pathogenic or benign to our knowledge

Blueprint Genetics
Classification: Likely benign. Last evaluated: 2024-11-26. Review status: criteria provided, single submitter. Criteria: ACMG Guidelines, 2015. Collection method: clinical testing. Allele origin: germline.

CeGaT Center for Human Genetics Tuebingen
Classification: Likely benign. Last evaluated: 2023-02-01. Review status: criteria provided, single submitter. Criteria: CeGaT Center For Human Genetics Tuebingen Variant Classification Criteria Version 2. Collection method: clinical testing. Allele origin: germline. Affected: yes. Observed: 1 variant allele.
Comment: TULP1: BS2

PreventionGenetics, part of Exact Sciences
Classification: Likely benign for TULP1-related condition. Last evaluated: 2024-08-05. Review status: no assertion criteria provided. Collection method: clinical testing. Allele origin: germline. Not counted in ClinVar's aggregate classification.
Comment: This variant is classified as likely benign based on ACMG/AMP sequence variant interpretation guidelines (Richards et al. 2015 PMID: 25741868, with internal and published modifications).

Institute of Human Genetics, Univ. Regensburg, Univ. Regensburg
Classification: Uncertain significance for Retinal dystrophy. Last evaluated: 2013-01-01. Review status: no assertion criteria provided. Criteria: ACMG Guidelines, 2015. Collection method: clinical testing. Allele origin: germline. Affected: yes. Not counted in ClinVar's aggregate classification.

NM_003322.6(TULP1):c.1297G>A (p.Glu433Lys)

Gene: TULP1 (TUB like protein 1; minus strand). Cytogenetic location: 6p21.31.
Variant type: single nucleotide variant.
Coding change: c.1297G>A on transcript NM_003322.6 (MANE Select); coding-DNA position 1297, G replaced by A.
Protein change: p.Glu433Lys; replaces glutamic acid 433 with lysine.
Molecular consequence: missense variant.
Genome position (GRCh38, 1-based): chr6:35,503,585, C>T on the plus strand (G>A on the coding strand, the complement: TULP1 is on the minus strand). VCF-style: chr6-35503585-C-T. GRCh37 (hg19) VCF-style: chr6-35471362-C-T.
Other names: c.1297G>A (NM_003322.5); c.1138G>A, p.Glu380Lys (NM_001289395.2); short protein forms E380K, E433K.
Identifiers: ClinVar variation 770046 (VCV000770046.38), dbSNP rs74461100, ClinGen allele CA3772604.